The following is an entry in ClinVar:

ClinVar aggregate classification (germline): Likely benign (1 of 4 stars; one submission).

Allele frequency attached by ClinVar (database versions not stated): gnomAD exomes below 0.00001 and 0.00001; gnomAD 0.00001; TOPMed 0.00005.
gnomAD v4.1: 6 of 1,562,720 alleles (0.00038%); highest among the groups gnomAD compares: African/African-American, 0.0054%; no homozygotes.

Submission:

GeneDx
Classification: Likely benign. Last evaluated: 2017-01-10. Review status: criteria provided, single submitter. Criteria: GeneDx Variant Classification (06012015). Collection method: clinical testing. Allele origin: germline. Affected: yes.
Comment: This variant is considered likely benign or benign based on one or more of the following criteria: it is a conservative change, it occurs at a poorly conserved position in the protein, it is predicted to be benign by multiple in silico algorithms, and/or has population frequency not consistent with disease.

NM_020631.6(PLEKHG5):c.1517G>A (p.Arg506His)

Gene: PLEKHG5 (pleckstrin homology and RhoGEF domain containing G5; minus strand). Cytogenetic location: 1p36.31.
Variant type: single nucleotide variant.
Coding change: c.1517G>A on transcript NM_020631.6 (MANE Select); coding-DNA position 1517, G replaced by A.
Protein change: p.Arg506His; replaces arginine 506 with histidine.
Molecular consequence: missense variant.
Genome position (GRCh38, 1-based): chr1:6,470,760, C>T on the plus strand (G>A on the coding strand, the complement: PLEKHG5 is on the minus strand). VCF-style: chr1-6470760-C-T. GRCh37 (hg19) VCF-style: chr1-6530820-C-T.
Other names: c.1628G>A, p.Arg543His (NM_001042663.3, NM_001265592.2); c.1517G>A, p.Arg506His (NM_001042664.2, NM_001042665.2, NM_001265594.3 and 1 more transcripts); c.1724G>A, p.Arg575His (NM_001265593.2); short protein forms R506H, R575H, R543H.
Identifiers: ClinVar variation 392562 (VCV000392562.1), dbSNP rs898550173, ClinGen allele CA16603774.
Genomic context (GRCh38, chr1:6,470,760, plus strand): 5'-CAGGGGGGACGGCTCCCGCTGGCCATCAGGGTTACCATGGCGACGACGGCCTCCTTGGCG[C>T]GCGGCTCCTCGGTCTTCCTCAGCACCGACTTGAGCAGCAGCGGGTACTTGGTGAGCCGCT-3'
Protein context (NP_065682.2, residues 496-516): KSVLRKTEEP[Arg506His]AKEAVVAMIG